The following is an entry in ClinVar:

ClinVar aggregate classification (germline): Uncertain significance (1 of 4 stars; one submission).

Conditions:
KBG syndrome (KBGS). Also called: ANKRD11-Related KBG Syndrome. Identifiers: Orphanet 2332, MedGen C0220687, MONDO:0007846, OMIM 148050.

Submission:

Labcorp Genetics (formerly Invitae), Labcorp
Classification: Uncertain significance for KBG syndrome. Last evaluated: 2024-12-18. Review status: criteria provided, single submitter. Criteria: Invitae Variant Classification Sherloc (09022015). Collection method: clinical testing. Allele origin: germline.
Comment: This sequence change replaces alanine, which is neutral and non-polar, with serine, which is neutral and polar, at codon 2323 of the ANKRD11 protein (p.Ala2323Ser). This variant is not present in population databases (gnomAD no frequency). This variant has not been reported in the literature in individuals affected with ANKRD11-related conditions. Invitae Evidence Modeling of protein sequence and biophysical properties (such as structural, functional, and spatial information, amino acid conservation, physicochemical variation, residue mobility, and thermodynamic stability) indicates that this missense variant is not expected to disrupt ANKRD11 protein function with a negative predictive value of 95%. In summary, the available evidence is currently insufficient to determine the role of this variant in disease. Therefore, it has been classified as a Variant of Uncertain Significance.

NM_013275.6(ANKRD11):c.6967G>T (p.Ala2323Ser)

Gene: ANKRD11 (ankyrin repeat domain 11; minus strand). Cytogenetic location: 16q24.3.
Variant type: single nucleotide variant.
Coding change: c.6967G>T on transcript NM_013275.6 (MANE Select); coding-DNA position 6967, G replaced by T.
Protein change: p.Ala2323Ser; replaces alanine 2323 with serine.
Molecular consequence: missense variant.
Genome position (GRCh38, 1-based): chr16:89,279,575, C>A on the plus strand (G>T on the coding strand, the complement: ANKRD11 is on the minus strand). VCF-style: chr16-89279575-C-A. GRCh37 (hg19) VCF-style: chr16-89345983-C-A.
Other names: c.6967G>T, p.Ala2323Ser (NM_001256182.2, NM_001256183.2); short protein forms A2323S.
Identifiers: ClinVar variation 3637126 (VCV003637126.2).